The following is an entry in ClinVar:

NM_018979.4(WNK1):c.7021G>A (p.Gly2341Ser)

Gene: WNK1 (WNK lysine deficient protein kinase 1; plus strand). Cytogenetic location: 12p13.33.
Variant type: single nucleotide variant.
Coding change: c.7021G>A on transcript NM_018979.4 (MANE Select); coding-DNA position 7021, G replaced by A.
Protein change: p.Gly2341Ser; replaces glycine 2341 with serine.
Molecular consequence: missense variant.
Genome position (GRCh38, 1-based): chr12:908,664, G>A. VCF-style: chr12-908664-G-A. GRCh37 (hg19) VCF-style: chr12-1017830-G-A.
Other names: p.Gly2341Ser; p.Gly2593Ser; c.7801G>A, p.Gly2601Ser (NM_001184985.2); c.6277G>A, p.Gly2093Ser (NM_014823.3); c.7777G>A, p.Gly2593Ser (NM_213655.5); short protein forms G2341S, G2593S, G2093S, G2601S.
Identifiers: ClinVar variation 306664 (VCV000306664.35), dbSNP rs146042595, ClinGen allele CA6383550.
Genomic context (GRCh38, chr12:908,664, plus strand): 5'-TGCCCCCCACAGCAGTATGGCTTTCCAGCTACCCCATTTGGCGCTCAATGGAGTGGGACG[G>A]GTGGCCCAGCACCACAGCCACTTGGCCAGTTCCAACCTGTGGGAACTGCCTCCTTGCAGA-3'
Protein context (NP_061852.3, residues 2331-2351): TPFGAQWSGT[Gly2341Ser]GPAPQPLGQF

ClinVar aggregate classification (germline): Conflicting classifications of pathogenicity. Review status: criteria provided, conflicting classifications (1 of 4 stars). 9 submissions from 9 submitters: Uncertain significance (4); Benign (1); Likely benign (4). Last evaluated 2026-06-11.

Conditions:
WNK1-related disorder. Also called: WNK1-related condition.
Neuropathy, hereditary sensory and autonomic, type 2A (HSAN2A). Also called: ACROOSTEOLYSIS, GIACCAI TYPE; ACROOSTEOLYSIS, NEUROGENIC; NEUROPATHY, CONGENITAL SENSORY; NEUROPATHY, HEREDITARY SENSORY RADICULAR, AUTOSOMAL RECESSIVE; NEUROPATHY, HEREDITARY SENSORY, TYPE IIA; NEUROPATHY, PROGRESSIVE SENSORY, OF CHILDREN. Identifiers: Orphanet 970, MedGen C2752089, MONDO:0024309, OMIM 201300.
Pseudohypoaldosteronism type 2C (PHA2C). Also called: Pseudohypoaldosteronism Type IIC. Identifiers: Orphanet 757, Orphanet 88940, MedGen C1840391, MONDO:0013778, OMIM 614492.
Inborn genetic diseases. Identifiers: MedGen C0950123, MeSH D030342.

Allele frequency attached by ClinVar (database versions not stated): 1000 Genomes Project 0.00020; 1000 Genomes Project 30x 0.00031; ExAC 0.00044; ESP Exome Variant Server 0.00069; gnomAD exomes 0.00077 and 0.00046; gnomAD 0.00062; TOPMed 0.00068.
gnomAD v4.1: 1,193 of 1,614,188 alleles (0.074%); highest among the groups gnomAD compares: Non-Finnish European, 0.092%; 2 homozygotes.

Submissions (9):

Women's Health and Genetics/Laboratory Corporation of America, LabCorp
Classification: Uncertain significance. Last evaluated: 2026-06-11. Review status: criteria provided, single submitter. Criteria: LabCorp Variant Classification Summary - May 2015. Collection method: clinical testing. Allele origin: germline.
Comment: Variant summary: WNK1 c.7021G>A (p.Gly2341Ser) results in a non-conservative amino acid change in the encoded protein sequence. Algorithms developed to predict the effect of missense changes on protein structure and function are either unavailable or do not agree on the potential impact of this missense change. The variant allele was found at a frequency of 0.00046 in 251448 control chromosomes in the gnomAD database, including 1 homozygote. This frequency is not significantly higher than estimated for disease-causing variants in WNK1, allowing no conclusion about variant significance. To our knowledge, no occurrence of c.7021G>A in individuals affected with WNK1-related conditions and no experimental evidence demonstrating its impact on protein function have been reported. ClinVar contains an entry for this variant (Variation ID: 306664). Based on the evidence outlined above, the variant was classified as uncertain significance.

Labcorp Genetics (formerly Invitae), Labcorp
Classification: Likely benign for Neuropathy, hereditary sensory and autonomic, type 2A; Pseudohypoaldosteronism type 2C. Last evaluated: 2025-12-08. Review status: criteria provided, single submitter. Criteria: Invitae Variant Classification Sherloc (09022015). Collection method: clinical testing. Allele origin: germline.

PreventionGenetics, part of Exact Sciences
Classification: Likely benign for WNK1-related condition. Last evaluated: 2025-07-01. Review status: criteria provided, single submitter. Criteria: ACMG Guidelines, 2015. Collection method: clinical testing. Allele origin: germline.
Comment: This variant is classified as likely benign based on ACMG/AMP sequence variant interpretation guidelines (Richards et al. 2015 PMID: 25741868, with internal and published modifications).

Mayo Clinic Laboratories, Mayo Clinic
Classification: Uncertain significance. Last evaluated: 2025-01-29. Review status: criteria provided, single submitter. Criteria: ACMG Guidelines, 2015. Collection method: clinical testing. Allele origin: germline. Observed: 4 variant alleles.
Comment: BP4_moderate

Blueprint Genetics
Classification: Likely benign. Last evaluated: 2024-11-04. Review status: criteria provided, single submitter. Criteria: ACMG Guidelines, 2015. Collection method: clinical testing. Allele origin: germline.

ARUP Laboratories, Molecular Genetics and Genomics, ARUP Laboratories
Classification: Uncertain significance. Last evaluated: 2023-08-28. Review status: criteria provided, single submitter. Criteria: ARUP Molecular Germline Variant Investigation Process 2024. Collection method: clinical testing. Allele origin: germline.
Comment: The WNK1 c.7801G>A; p.Gly2601Ser variant (rs146042595), to our knowledge, is not reported in the medical literature but is reported in ClinVar (Variation ID: 306664). This variant is found in the general population with an overall allele frequency of 0.044% (125/282,838 alleles, including a single homozygote) in the Genome Aggregation Database. The glycine at codon 2601 is weakly conserved, and computational analyses predict that this variant is neutral (REVEL: 0.053). Due to limited information, the clinical significance of the p.Gly2601Ser variant is uncertain at this time.

Ambry Genetics
Classification: Uncertain significance for Inborn genetic diseases. Last evaluated: 2021-09-20. Review status: criteria provided, single submitter. Criteria: Ambry Variant Classification Scheme 2023. Collection method: clinical testing. Allele origin: germline.
Comment: The p.G2593S variant (also known as c.7777G>A), located in coding exon 28 of the WNK1 gene, results from a G to A substitution at nucleotide position 7777. The glycine at codon 2593 is replaced by serine, an amino acid with similar properties. This amino acid position is not well conserved in available vertebrate species, and serine is the reference amino acid in other vertebrate species. In addition, this alteration is predicted to be tolerated by in silico analysis. Since supporting evidence is limited at this time, the clinical significance of this alteration remains unclear.

GeneDx
Classification: Likely benign. Last evaluated: 2020-07-08. Review status: criteria provided, single submitter. Criteria: GeneDx Variant Classification Process June 2021. Collection method: clinical testing. Allele origin: germline. Affected: yes.
Comment: In silico analysis supports that this missense variant does not alter protein structure/function; Has not been previously published as pathogenic or benign to our knowledge

Illumina Laboratory Services, Illumina
Classification: Benign for Pseudohypoaldosteronism type 2C. Last evaluated: 2018-01-13. Review status: criteria provided, single submitter. Criteria: ICSL Variant Classification Criteria 13 December 2019. Collection method: clinical testing. Allele origin: germline.
Comment: This variant was observed in the ICSL laboratory as part of a predisposition screen in an ostensibly healthy population. It had not been previously curated by ICSL or reported in the Human Gene Mutation Database (HGMD: prior to June 1st, 2018), and was therefore a candidate for classification through an automated scoring system. Utilizing variant allele frequency, disease prevalence and penetrance estimates, and inheritance mode, an automated score was calculated to assess if this variant is too frequent to cause the disease. Based on the score and internal cut-off values, a variant classified as benign is not then subjected to further curation. The score for this variant resulted in a classification of benign for this disease.